The following is an entry in ClinVar:

ClinVar aggregate classification (germline): Uncertain significance (1 of 4 stars; one submission).

Conditions:
Congenital myasthenic syndrome 8. Also called: MYASTHENIC SYNDROME, CONGENITAL, DUE TO AGRIN DEFICIENCY; Myasthenic syndrome, congenital, 8, with pre- and postsynaptic defects. Identifiers: Orphanet 590, MedGen C3808739, MONDO:0014052, OMIM 615120.

Allele frequency attached by ClinVar (database versions not stated): ExAC 0.00001; gnomAD 0.00001; gnomAD exomes 0.00001; TOPMed 0.00001.
gnomAD v4.1: 4 of 1,609,638 alleles (0.00025%); highest among the groups gnomAD compares: South Asian, 0.0022%; no homozygotes.

Submission:

Labcorp Genetics (formerly Invitae), Labcorp
Classification: Uncertain significance for Congenital myasthenic syndrome 8. Last evaluated: 2025-08-18. Review status: criteria provided, single submitter. Criteria: Invitae Variant Classification Sherloc (09022015). Collection method: clinical testing. Allele origin: germline.
Comment: This sequence change replaces alanine, which is neutral and non-polar, with valine, which is neutral and non-polar, at codon 1711 of the AGRN protein (p.Ala1711Val). The frequency data for this variant in the population databases is considered unreliable, as metrics indicate poor data quality at this position in the gnomAD database. This variant has not been reported in the literature in individuals affected with AGRN-related conditions. ClinVar contains an entry for this variant (Variation ID: 2075166). An algorithm developed to predict the effect of missense changes on protein structure and function (PolyPhen-2) suggests that this variant is likely to be disruptive. In summary, the available evidence is currently insufficient to determine the role of this variant in disease. Therefore, it has been classified as a Variant of Uncertain Significance.

NM_198576.4(AGRN):c.5132C>T (p.Ala1711Val)

Gene: AGRN (agrin; plus strand). Cytogenetic location: 1p36.33.
Variant type: single nucleotide variant.
Coding change: c.5132C>T on transcript NM_198576.4 (MANE Select); coding-DNA position 5132, C replaced by T.
Protein change: p.Ala1711Val; replaces alanine 1711 with valine.
Molecular consequence: missense variant.
Genome position (GRCh38, 1-based): chr1:1,050,582, C>T. VCF-style: chr1-1050582-C-T. GRCh37 (hg19) VCF-style: chr1-985962-C-T.
Other names: c.5132C>T, p.Ala1711Val (NM_001305275.2); c.4817C>T, p.Ala1606Val (NM_001364727.2); short protein forms A1606V, A1711V.
Identifiers: ClinVar variation 2075166 (VCV002075166.2), dbSNP rs749228236, ClinGen allele CA509859.